The following is an entry in ClinVar:

ClinVar aggregate classification (germline): Uncertain significance. Review status: criteria provided, multiple submitters, no conflicts (2 of 4 stars). 2 submissions from 2 submitters: Uncertain significance (2). Last evaluated 2024-01-30.

Conditions:
Cardiac arrhythmia. Also called: Cardiac rhythm disease; Arrhythmia. Identifiers: MedGen C0003811, MONDO:0007263, HP:0011675.
Long QT syndrome (LQTS). Identifiers: MedGen C0023976, MeSH D008133, MONDO:0002442. Disease mechanism: loss of function. Inheritance: Various modes of inheritance.

Allele frequency attached by ClinVar (database versions not stated): gnomAD exomes 0.00001; ExAC 0.00002.
gnomAD v4.1: 19 of 1,614,238 alleles (0.0012%); highest among the groups gnomAD compares: Non-Finnish European, 0.0014%; no homozygotes.

Submissions (2):

Color Diagnostics, LLC DBA Color Health
Classification: Uncertain significance for Cardiac arrhythmia. Last evaluated: 2024-01-30. Review status: criteria provided, single submitter. Criteria: ACMG Guidelines, 2015. Collection method: clinical testing. Allele origin: germline.
Comment: This missense variant replaces arginine with histidine at codon 582 of the KCNH2 protein. Computational prediction suggests that this variant may have deleterious impact on protein structure and function (internally defined REVEL score threshold >= 0.7, PMID: 27666373). To our knowledge, functional studies have not been reported for this variant. This variant has not been reported in individuals affected with KCNH2-related disorders in the literature. This variant has been identified in 3/251404 chromosomes in the general population by the Genome Aggregation Database (gnomAD). A different missense variant occurring at the same codon, p.Arg582Cys, is known to be pathogenic (Clinvar variation ID 14428), indicating that arginine at this position is important for KCNH2 protein function. The available evidence is insufficient to determine the role of this variant in disease conclusively. Therefore, this variant is classified as a Variant of Uncertain Significance.

Labcorp Genetics (formerly Invitae), Labcorp
Classification: Uncertain significance for Long QT syndrome. Last evaluated: 2023-07-07. Review status: criteria provided, single submitter. Criteria: Invitae Variant Classification Sherloc (09022015). Collection method: clinical testing. Allele origin: germline.
Comment: This variant disrupts the p.Arg582 amino acid residue in KCNH2. Other variant(s) that disrupt this residue have been determined to be pathogenic (PMID: 10220144, 21376840, 22949429). This suggests that this residue is clinically significant, and that variants that disrupt this residue are likely to be disease-causing. Algorithms developed to predict the effect of missense changes on protein structure and function output the following: SIFT: "Not Available"; PolyPhen-2: "Possibly Damaging"; Align-GVGD: "Not Available". The histidine amino acid residue is found in multiple mammalian species, which suggests that this missense change does not adversely affect protein function. ClinVar contains an entry for this variant (Variation ID: 926210). This variant has not been reported in the literature in individuals affected with KCNH2-related conditions. This variant is present in population databases (rs199473426, gnomAD 0.003%). This sequence change replaces arginine, which is basic and polar, with histidine, which is basic and polar, at codon 582 of the KCNH2 protein (p.Arg582His). In summary, the available evidence is currently insufficient to determine the role of this variant in disease. Therefore, it has been classified as a Variant of Uncertain Significance.

Literature cited by the submitters: PubMed 10220144 (cited by Labcorp Genetics (formerly Invitae), Labcorp); PubMed 21376840 (cited by Labcorp Genetics (formerly Invitae), Labcorp); PubMed 22949429 (cited by Labcorp Genetics (formerly Invitae), Labcorp).

NM_000238.4(KCNH2):c.1745G>A (p.Arg582His)

Gene: KCNH2 (potassium voltage-gated channel subfamily H member 2; minus strand). Cytogenetic location: 7q36.1.
Variant type: single nucleotide variant.
Coding change: c.1745G>A on transcript NM_000238.4 (MANE Select); coding-DNA position 1745, G replaced by A.
Protein change: p.Arg582His; replaces arginine 582 with histidine.
Molecular consequence: missense variant.
Genome position (GRCh38, 1-based): chr7:150,951,648, C>T on the plus strand (G>A on the coding strand, the complement: KCNH2 is on the minus strand). VCF-style: chr7-150951648-C-T. GRCh37 (hg19) VCF-style: chr7-150648736-C-T.
Other names: c.725G>A, p.Arg242His (NM_001204798.2, NM_172057.3); c.1457G>A, p.Arg486His (NM_001406753.1, NM_001406756.1); c.1568G>A, p.Arg523His (NM_001406755.1); c.1445G>A, p.Arg482His (NM_001406757.1); c.1745G>A, p.Arg582His (NM_172056.3); short protein forms R582H, R242H, R486H, R523H, R482H.
Identifiers: ClinVar variation 926210 (VCV000926210.15), dbSNP rs199473426, ClinGen allele CA029361.
Genomic context (GRCh38, chr7:150,951,648, plus strand): 5'-AGGCCGCTGCTGTTGTAGGGTTTGCCTATCTGGTCGCCCAGGTTGTGCAGCCAGCCGATG[C>T]GTGAGTCCATGTGTGGCTGCTCCATGTTGCCGATGGCGTACCAGATGCAGGCTAGCCAGT-3'
Protein context (NP_000229.1, residues 572-592): GNMEQPHMDS[Arg582His]IGWLHNLGDQ